The following is an entry in ClinVar:

ClinVar aggregate classification (germline): Uncertain significance (1 of 4 stars; one submission).

gnomAD v4.1: 32 of 1,612,884 alleles (0.002%); highest among the groups gnomAD compares: Non-Finnish European, 0.0025%; no homozygotes.

Submission:

Greenwood Genetic Center Diagnostic Laboratories, Greenwood Genetic Center
Classification: Uncertain significance. Last evaluated: 2025-02-03. Review status: criteria provided, single submitter. Criteria: ACMG Guidelines, 2015. Collection method: clinical testing. Allele origin: germline.
Comment: PM2, BP4, PP2

NM_006295.3(VARS1):c.3674C>T (p.Ser1225Leu)

Gene: VARS1 (valyl-tRNA synthetase 1; minus strand). Cytogenetic location: 6p21.33.
Variant type: single nucleotide variant.
Coding change: c.3674C>T on transcript NM_006295.3 (MANE Select); coding-DNA position 3674, C replaced by T.
Protein change: p.Ser1225Leu; replaces serine 1225 with leucine.
Molecular consequence: missense variant.
Genome position (GRCh38, 1-based): chr6:31,779,019, G>A on the plus strand (C>T on the coding strand, the complement: VARS1 is on the minus strand). VCF-style: chr6-31779019-G-A. GRCh37 (hg19) VCF-style: chr6-31746796-G-A.
Other names: short protein forms S1225L.
Identifiers: ClinVar variation 4851642 (VCV004851642.1).
Genomic context (GRCh38, chr6:31,779,019, plus strand): 5'-CCACACACCTTGGCTTCATCTGCCTCCTGGACTTCGAGCGGCACCTTGACAGGATAGCCC[G>A]AGGCAGCACGGCGTTCCCGCAGACGCTGGGCCTGCCGCTGGGCCTCAACTCGCTTGGCTT-3'
Protein context (NP_006286.1, residues 1215-1235): AQRLRERRAA[Ser1225Leu]GYPVKVPLEV